The following is an entry in ClinVar:

ClinVar aggregate classification (germline): Pathogenic (1 of 4 stars; one submission).

Submission:

GeneDx
Classification: Pathogenic. Last evaluated: 2023-05-30. Review status: criteria provided, single submitter. Criteria: GeneDx Variant Classification Process June 2021. Collection method: clinical testing. Allele origin: germline. Affected: yes.
Comment: Not observed in large population cohorts (gnomAD); In silico analysis supports that this missense variant has a deleterious effect on protein structure/function; This variant is associated with the following publications: (PMID: 33278787, 30206138)

NM_177559.3(CSNK2A1):c.523G>A (p.Asp175Asn)

Gene: CSNK2A1 (casein kinase 2 alpha 1; minus strand). Cytogenetic location: 20p13.
Variant type: single nucleotide variant.
Coding change: c.523G>A on transcript NM_177559.3 (MANE Select); coding-DNA position 523, G replaced by A.
Protein change: p.Asp175Asn; replaces aspartic acid 175 with asparagine.
Molecular consequence: missense variant.
Genome position (GRCh38, 1-based): chr20:492,352, C>T on the plus strand (G>A on the coding strand, the complement: CSNK2A1 is on the minus strand). VCF-style: chr20-492352-C-T. GRCh37 (hg19) VCF-style: chr20-472996-C-T.
Other names: c.523G>A, p.Asp175Asn (NM_001362770.2, NM_001362771.2, NM_001895.4); c.115G>A, p.Asp39Asn (NM_177560.3); short protein forms D175N, D39N.
Identifiers: ClinVar variation 2504560 (VCV002504560.1), dbSNP rs2514647160, ClinGen allele CA407931599.
Genomic context (GRCh38, chr20:492,352, plus strand): 5'-GGGAAGCAACTCGGACATTATATTCTTGGCCAGGATGATAAAACTCAGCCAAACCCCAGT[C>T]TATTAGTCGTAGCTGAAAAAGAATAAACCATGAGCAATCTTATCTTTCTCTAAGCTACCC-3'
Protein context (NP_808227.1, residues 165-185): DHEHRKLRLI[Asp175Asn]WGLAEFYHPG